The following is an entry in ClinVar:

ClinVar aggregate classification (germline): Uncertain significance (1 of 4 stars; one submission).

Conditions:
Hereditary nonpolyposis colorectal neoplasms. Identifiers: MedGen C0009405, MeSH D003123.

Submission:

Labcorp Genetics (formerly Invitae), Labcorp
Classification: Uncertain significance for Hereditary nonpolyposis colorectal neoplasms. Last evaluated: 2022-09-01. Review status: criteria provided, single submitter. Criteria: Invitae Variant Classification Sherloc (09022015). Collection method: clinical testing. Allele origin: germline.
Comment: This variant has not been reported in the literature in individuals affected with PMS2-related conditions. This variant is not present in population databases (gnomAD no frequency). This sequence change replaces glutamic acid, which is acidic and polar, with glycine, which is neutral and non-polar, at codon 640 of the PMS2 protein (p.Glu640Gly). ClinVar contains an entry for this variant (Variation ID: 1018950). In summary, the available evidence is currently insufficient to determine the role of this variant in disease. Therefore, it has been classified as a Variant of Uncertain Significance. Advanced modeling of protein sequence and biophysical properties (such as structural, functional, and spatial information, amino acid conservation, physicochemical variation, residue mobility, and thermodynamic stability) performed at Invitae indicates that this missense variant is not expected to disrupt PMS2 protein function.

NM_000535.7(PMS2):c.1919A>G (p.Glu640Gly)

Gene: PMS2 (PMS1 homolog 2, mismatch repair system component; minus strand). Cytogenetic location: 7p22.1.
Variant type: single nucleotide variant.
Coding change: c.1919A>G on transcript NM_000535.7 (MANE Select); coding-DNA position 1919, A replaced by G.
Protein change: p.Glu640Gly; replaces glutamic acid 640 with glycine.
Molecular consequence: missense variant. On other transcripts: non-coding transcript variant (1).
Genome position (GRCh38, 1-based): chr7:5,986,846, T>C on the plus strand (A>G on the coding strand, the complement: PMS2 is on the minus strand). VCF-style: chr7-5986846-T-C. GRCh37 (hg19) VCF-style: chr7-6026477-T-C.
Other names: c.1514A>G, p.Glu505Gly (NM_001322003.2, NM_001322004.2, NM_001322005.2 and 1 more transcripts); c.1763A>G, p.Glu588Gly (NM_001322006.2); c.1601A>G, p.Glu534Gly (NM_001322007.2, NM_001322008.2); c.1358A>G, p.Glu453Gly (NM_001322010.2); c.986A>G, p.Glu329Gly (NM_001322011.2, NM_001322012.2); c.1346A>G, p.Glu449Gly (NM_001322013.2); c.1919A>G, p.Glu640Gly (NM_001322014.2); c.1610A>G, p.Glu537Gly (NM_001322015.2); short protein forms E329G, E449G, E453G, E505G, E534G, E537G, E588G, E640G.
Identifiers: ClinVar variation 1018950 (VCV001018950.8), dbSNP rs1782938849, ClinGen allele CA366739257.
Genomic context (GRCh38, chr7:5,986,846, plus strand): 5'-GCTGCTTGATTTTCTCCAGGACAAATCTTTGCCCTAAACTTCCTGTAATTCTGTTCCCCT[T>C]CACTTTGCTGTGCTTCATGATGTAACTGCTTTATTCGTTTAGCTAAAGAACTCATAGAAA-3'
Protein context (NP_000526.2, residues 630-650): KQLHHEAQQS[Glu640Gly]GEQNYRKFRA